The following is an entry in ClinVar:

NM_033068.3(ACP4):c.43CTG[5] (p.Leu20del)

Gene: ACP4 (acid phosphatase 4; plus strand). Cytogenetic location: 19q13.33.
Variant type: Microsatellite.
Coding change: c.43CTG[5] on transcript NM_033068.3 (MANE Select); five copies in a row of the 3-base unit CTG starting at c.43; the reference has six copies in a row; one copy, 3 bases deleted.
Protein change: p.Leu20del; deletes leucine 20.
Genome position (GRCh38, 1-based): chr19:50,790,472-50,790,474, CTG deleted; deleting any 3 consecutive bases within chr19:50,790,457-50,790,474 gives the same sequence; the position shown is the placement nearest the transcript's 3' end. VCF-style (leftmost placement, unchanged base first): chr19-50790456-CCTG-C. GRCh37 (hg19) VCF-style: chr19-51293713-CCTG-C.
Other names: short protein forms L20del.
Identifiers: ClinVar variation 3059630 (VCV003059630.2), dbSNP rs750637211, ClinGen allele CA9602841.

ClinVar aggregate classification (germline): Benign (0 of 4 stars; one submission).

Conditions:
ACP4-related disorder. Also called: ACP4-related condition.

Submission:

PreventionGenetics, part of Exact Sciences
Classification: Benign for ACP4-related condition. Last evaluated: 2019-08-15. Review status: no assertion criteria provided. Collection method: clinical testing. Allele origin: germline.
Comment: This variant is classified as benign based on ACMG/AMP sequence variant interpretation guidelines (Richards et al. 2015 PMID: 25741868, with internal and published modifications).